The following is an entry in ClinVar:

NC_000011.10:g.47337466C>T

Gene: MYBPC3 (myosin binding protein C3; minus strand). Cytogenetic location: 11p11.2.
Variant type: single nucleotide variant.
Genome position: GRCh38 VCF-style: chr11-47337466-C-T. GRCh37 (hg19) VCF-style: chr11-47359017-C-T.
Other names: c.2527G>A, p.Glu843Lys (LRG_386t1).
Identifiers: ClinVar variation 180972 (VCV000180972.10), dbSNP rs730880567, ClinGen allele CA012486.

ClinVar aggregate classification (germline): Uncertain significance. Review status: criteria provided, multiple submitters, no conflicts (2 of 4 stars). 3 submissions from 3 submitters: Uncertain significance (3). Last evaluated 2025-12-03.

Conditions:
Hypertrophic cardiomyopathy 4. Also called: Familial hypertrophic cardiomyopathy 4. Identifiers: MedGen C1861862, MONDO:0007268, OMIM 115197.
Left ventricular noncompaction 10 (LVNC10). Identifiers: Orphanet 154, Orphanet 54260, MedGen C3715165, MONDO:0014163, OMIM 615396.
Hypertrophic cardiomyopathy. Also called: HYPERTROPHIC MYOCARDIOPATHY. Identifiers: Orphanet 217569, MedGen C0007194, MeSH D002312, MONDO:0005045, HP:0001639.

Allele frequency attached by ClinVar (database versions not stated): gnomAD exomes below 0.00001.
gnomAD v4.1: 4 of 1,613,806 alleles (0.00025%); highest among the groups gnomAD compares: East Asian, 0.0022%; no homozygotes.

Submissions (3):

Labcorp Genetics (formerly Invitae), Labcorp
Classification: Uncertain significance for Hypertrophic cardiomyopathy. Last evaluated: 2025-12-03. Review status: criteria provided, single submitter. Criteria: Invitae Variant Classification Sherloc (09022015). Collection method: clinical testing. Allele origin: germline.
Comment: This sequence change replaces glutamic acid, which is acidic and polar, with lysine, which is basic and polar, at codon 843 of the MYBPC3 protein (p.Glu843Lys). This variant is not present in population databases (gnomAD no frequency). This variant has not been reported in the literature in individuals affected with MYBPC3-related conditions. ClinVar contains an entry for this variant (Variation ID: 180972). An algorithm developed to predict the effect of missense changes on protein structure and function (PolyPhen-2) suggests that this variant is likely to be disruptive. In summary, the available evidence is currently insufficient to determine the role of this variant in disease. Therefore, it has been classified as a Variant of Uncertain Significance.

Fulgent Genetics
Classification: Uncertain significance for Hypertrophic cardiomyopathy 4; Left ventricular noncompaction 10. Last evaluated: 2021-10-13. Review status: criteria provided, single submitter. Criteria: ACMG Guidelines, 2015. Collection method: clinical testing. Allele origin: unknown.

GeneDx
Classification: Uncertain significance. Last evaluated: 2018-04-04. Review status: criteria provided, single submitter. Criteria: GeneDx Variant Classification (06012015). Collection method: clinical testing. Allele origin: germline. Affected: yes.
Comment: A variant of uncertain significance has been identified in the MYBPC3 gene. The E843K variant has not been published as pathogenic or been reported as benign to our knowledge. The E843K variant is not observed in large population cohorts (Lek et al., 2016). The E843K variant is a non-conservative amino acid substitution, which is likely to impact secondary protein structure as these residues differ in polarity, charge, size and/or other properties. Furthermore, in-silico analyses, including protein predictors and evolutionary conservation, support a deleterious effect. However, although missense variants in nearby residues have been reported in the Human Gene Mutation Database, the clinical significance of these variants is currently unknown (Stenson et al., 2014).